The following is an entry in ClinVar:

NM_002439.5(MSH3):c.2253+2T>G

Gene: MSH3 (mutS homolog 3; plus strand). Cytogenetic location: 5q14.1.
Variant type: single nucleotide variant.
Coding change: c.2253+2T>G on transcript NM_002439.5 (MANE Select); the canonical splice donor site of the intron after coding-DNA position 2253, T replaced by G.
Molecular consequence: splice donor variant.
Genome position (GRCh38, 1-based): chr5:80,769,005, T>G. VCF-style: chr5-80769005-T-G. GRCh37 (hg19) VCF-style: chr5-80064824-T-G.
Other names: c.2253+2T>G (NM_002439.3).
Identifiers: ClinVar variation 3648972 (VCV003648972.4).

ClinVar aggregate classification (germline): Likely pathogenic. Review status: criteria provided, multiple submitters, no conflicts (2 of 4 stars). 3 submissions from 3 submitters: Likely pathogenic (3). Last evaluated 2025-07-16.

Conditions:
Familial adenomatous polyposis 4 (FAP4). Also called: MSH3-related attenuated familial adenomatous polyposis. Identifiers: Orphanet 480536, MedGen C4310719, MONDO:0044300, OMIM 617100.
Hereditary cancer-predisposing syndrome. Also called: Neoplastic Syndromes, Hereditary; Tumor predisposition; Hereditary neoplastic syndrome; Hereditary Cancer Syndrome. Identifiers: Orphanet 140162, MedGen C0027672, MeSH D009386, MONDO:0015356.

gnomAD v4.1: 2 of 1,611,454 alleles (0.00012%); highest among the groups gnomAD compares: Non-Finnish European, 0.00017%; no homozygotes.

Submissions (3):

Myriad Genetics, Inc.
Classification: Likely pathogenic for Familial adenomatous polyposis 4. Last evaluated: 2025-07-16. Review status: criteria provided, single submitter. Criteria: Myriad Autosomal Dominant, Autosomal Recessive and X-Linked Classification Criteria (2023). Collection method: clinical testing. Allele origin: unknown.
Comment: This variant is considered likely pathogenic. This variant occurs within a consensus splice junction and is predicted to result in abnormal mRNA splicing of either an out-of-frame exon or an in-frame exon necessary for protein stability and/or normal function.

Ambry Genetics
Classification: Likely pathogenic for Hereditary cancer-predisposing syndrome. Last evaluated: 2025-05-18. Review status: criteria provided, single submitter. Criteria: Ambry Variant Classification Scheme 2023. Collection method: clinical testing. Allele origin: germline.
Comment: The c.2253+2T>G intronic variant results from a T to G substitution two nucleotides after coding exon 15 in the MSH3 gene. This variant is considered to be rare based on population cohorts in the Genome Aggregation Database (gnomAD). This nucleotide position is highly conserved in available vertebrate species. In silico splice site analysis predicts that this alteration will weaken the native splice donor site. RNA studies have demonstrated that this alteration results in abnormal splicing in the set of samples tested (Ambry internal data). Alterations that disrupt the canonical splice site are expected to cause aberrant splicing, resulting in an abnormal protein or a transcript that is subject to nonsense-mediated mRNA decay. As such, this alteration is classified as likely pathogenic.

Labcorp Genetics (formerly Invitae), Labcorp
Classification: Likely pathogenic. Last evaluated: 2024-04-06. Review status: criteria provided, single submitter. Criteria: Invitae Variant Classification Sherloc (09022015). Collection method: clinical testing. Allele origin: germline.
Comment: This sequence change affects a donor splice site in intron 15 of the MSH3 gene. It is expected to disrupt RNA splicing. Variants that disrupt the donor or acceptor splice site typically lead to a loss of protein function (PMID: 16199547), and loss-of-function variants in MSH3 are known to be pathogenic (PMID: 27476653, 37402566). This variant is not present in population databases (gnomAD no frequency). This variant has not been reported in the literature in individuals affected with MSH3-related conditions. Algorithms developed to predict the effect of sequence changes on RNA splicing suggest that this variant may disrupt the consensus splice site. In summary, the currently available evidence indicates that the variant is pathogenic, but additional data are needed to prove that conclusively. Therefore, this variant has been classified as Likely Pathogenic.

Literature cited by the submitters: PubMed 16199547 (cited by Labcorp Genetics (formerly Invitae), Labcorp); PubMed 27476653 (cited by Labcorp Genetics (formerly Invitae), Labcorp); PubMed 37402566 (cited by Labcorp Genetics (formerly Invitae), Labcorp).